The following is an entry in ClinVar:

NM_003738.5(PTCH2):c.1032_1035del (p.Ser344fs)

Gene: PTCH2 (patched 2; minus strand). Cytogenetic location: 1p34.1.
Variant type: Deletion.
Coding change: c.1032_1035del on transcript NM_003738.5 (MANE Select); coding-DNA positions 1032 to 1035, 4 bases deleted (TGAG; older notation c.1032_1035delTGAG).
Protein change: p.Ser344fs; shifts the reading frame from serine 344.
Molecular consequence: frameshift variant.
Genome position (GRCh38, 1-based): chr1:44,829,662-44,829,665, CTCA deleted on the plus strand (TGAG on the coding strand, the reverse complement: PTCH2 is on the minus strand); deleting any 4 consecutive bases within chr1:44,829,662-44,829,668 gives the same sequence; the c. name uses the placement nearest the transcript's 3' end. VCF-style (leftmost placement, unchanged base first): chr1-44829661-CCTCA-C. GRCh37 (hg19) VCF-style: chr1-45295333-CCTCA-C.
Other names: c.1032_1035del, p.Ser344fs (NM_001166292.2); short protein forms S344fs.
Identifiers: ClinVar variation 2427775 (VCV002427775.9), dbSNP rs1557646078, ClinGen allele CA522809771.
Genomic context (GRCh38, chr1:44,829,661, plus strand): 5'-TGTCCATACCGACCTGCACAAAGCGCCGCTGCCAGGCTTGTAGCACTGTGCTGGCCTGCT[CCTCA>C]CTCCAGCCAATGTCATGTGTCTGATAGTCACCCCGGAAATGCTCGTACAGCTGGCGGGGA-3'

ClinVar aggregate classification (germline): Uncertain significance. Review status: criteria provided, multiple submitters, no conflicts (2 of 4 stars). 2 submissions from 2 submitters: Uncertain significance (2). Last evaluated 2024-04-23.

Conditions:
Medulloblastoma (MDB). Also called: MEDULLOBLASTOMA PREDISPOSITION SYNDROME; Medulloblastoma, somatic. Identifiers: Orphanet 616, MedGen C0025149, MeSH D008527, MONDO:0007959, OMIM 155255, HP:0002885.
Basal cell carcinoma, susceptibility to, 1. Also called: BCC1. Identifiers: MedGen C2751544, MONDO:0011556, OMIM 605462.
Gorlin syndrome. Also called: Nevoid Basal Cell Carcinoma Syndrome; Basal cell nevus syndrome. Identifiers: Orphanet 377, MedGen C0004779, MONDO:0007187.

Submissions (2):

Fulgent Genetics
Classification: Uncertain significance for Medulloblastoma; Basal cell carcinoma, susceptibility to, 1. Last evaluated: 2024-04-23. Review status: criteria provided, single submitter. Criteria: ACMG Guidelines, 2015. Collection method: clinical testing. Allele origin: germline.

Labcorp Genetics (formerly Invitae), Labcorp
Classification: Uncertain significance for Gorlin syndrome. Last evaluated: 2022-04-08. Review status: criteria provided, single submitter. Criteria: Invitae Variant Classification Sherloc (09022015). Collection method: clinical testing. Allele origin: germline.
Comment: This variant has not been reported in the literature in individuals affected with PTCH2-related conditions. In summary, the available evidence is currently insufficient to determine the role of this variant in disease. Therefore, it has been classified as a Variant of Uncertain Significance. This variant is present in population databases (no rsID available, gnomAD 0.002%). This sequence change creates a premature translational stop signal (p.Ser344Argfs*67) in the PTCH2 gene. It is expected to result in an absent or disrupted protein product. However, the current clinical and genetic evidence is not sufficient to establish whether loss-of-function variants in PTCH2 cause disease.